The following is an entry in ClinVar:

NM_014806.5(RUSC2):c.2773C>T (p.Arg925Ter)

Gene: RUSC2 (RUN and SH3 domain containing 2; plus strand). Cytogenetic location: 9p13.3.
Variant type: single nucleotide variant.
Coding change: c.2773C>T on transcript NM_014806.5 (MANE Select); coding-DNA position 2773, C replaced by T.
Protein change: p.Arg925Ter; replaces arginine 925 with a stop codon.
Molecular consequence: nonsense. On other transcripts: non-coding transcript variant (1).
Genome position (GRCh38, 1-based): chr9:35,556,068, C>T. VCF-style: chr9-35556068-C-T. GRCh37 (hg19) VCF-style: chr9-35556065-C-T.
Other names: c.2773C>T, p.Arg925Ter (NM_001135999.2); c.139C>T, p.Arg47Ter (NM_001330740.2); short protein forms R925*, R47*.
Identifiers: ClinVar variation 931076 (VCV000931076.4), dbSNP rs765514069, ClinGen allele CA5043952.

ClinVar aggregate classification (germline): Likely pathogenic (1 of 4 stars; one submission).

Conditions:
Intellectual developmental disorder, autosomal recessive 61. Also called: ALWADEI SYNDROME; MENTAL RETARDATION, AUTOSOMAL RECESSIVE 61; Intellectual disability, autosomal recessive 61. Identifiers: MedGen C4540424, MONDO:0030915, OMIM 617773.

Allele frequency attached by ClinVar (database versions not stated): gnomAD exomes below 0.00001; ExAC 0.00001.
gnomAD v4.1: 1 of 1,614,182 alleles (0.000062%); highest among the groups gnomAD compares: Admixed American, 0.0017%; no homozygotes.

Submission:

Centre for Mendelian Genomics, University Medical Centre Ljubljana
Classification: Likely pathogenic for Intellectual developmental disorder, autosomal recessive 61. Last evaluated: 2019-06-12. Review status: criteria provided, single submitter. Criteria: ACMG Guidelines, 2015. Collection method: clinical testing. Allele origin: unknown. Affected: yes.
Comment: This variant was classified as: Likely pathogenic. The following ACMG criteria were applied in classifying this variant: PVS1,PM2.